The following is an entry in ClinVar:

ClinVar aggregate classification (germline): Conflicting classifications of pathogenicity. Review status: criteria provided, conflicting classifications (1 of 4 stars). 3 submissions from 3 submitters: Uncertain significance (2); Likely benign (1). Last evaluated 2024-11-03.

Conditions:
Hereditary cancer-predisposing syndrome. Also called: Tumor predisposition; Hereditary neoplastic syndrome; Hereditary Cancer Syndrome; Neoplastic Syndromes, Hereditary. Identifiers: Orphanet 140162, MedGen C0027672, MeSH D009386, MONDO:0015356.
Hereditary breast ovarian cancer syndrome. Also called: Hereditary breast and ovarian cancer syndrome; Hereditary breast and ovarian cancer; Hereditary breast and ovarian cancer syndrome (HBOC); BRCA1- and BRCA2-Associated Hereditary Breast and Ovarian Cancer; Hereditary breast and/or ovarian cancer syndrome; Breast and ovarian cancer. Identifiers: Orphanet 145, MedGen C0677776, MeSH D061325, MONDO:0003582. Disease mechanism: loss of function.

Submissions (3):

Ambry Genetics
Classification: Uncertain significance for Hereditary cancer-predisposing syndrome. Last evaluated: 2024-11-03. Review status: criteria provided, single submitter. Criteria: Ambry Variant Classification Scheme 2023. Collection method: clinical testing. Allele origin: germline.
Comment: The p.N955K variant (also known as c.2865C>G), located in coding exon 10 of the BRCA2 gene, results from a C to G substitution at nucleotide position 2865. The asparagine at codon 955 is replaced by lysine, an amino acid with similar properties. This amino acid position is conserved. In addition, this alteration is predicted to be tolerated by in silico analysis. Based on the available evidence, the clinical significance of this variant remains unclear.

University of Washington Department of Laboratory Medicine, University of Washington
Classification: Likely benign for Hereditary cancer-predisposing syndrome. Last evaluated: 2023-03-23. Review status: criteria provided, single submitter. Criteria: Dines et al. (Genet Med. 2020). Collection method: curation. Allele origin: germline.
Comment: Missense variant in a coldspot region where missense variants are very unlikely to be pathogenic (PMID:31911673).

BRCA2 exon 11 coldspot. Reclassification based on statistical prior probability.

Labcorp Genetics (formerly Invitae), Labcorp
Classification: Uncertain significance for Hereditary breast ovarian cancer syndrome. Last evaluated: 2021-08-12. Review status: criteria provided, single submitter. Criteria: Invitae Variant Classification Sherloc (09022015). Collection method: clinical testing. Allele origin: germline.
Comment: This sequence change replaces asparagine with lysine at codon 955 of the BRCA2 protein (p.Asn955Lys). The asparagine residue is weakly conserved and there is a moderate physicochemical difference between asparagine and lysine. This variant is not present in population databases (ExAC no frequency). This variant has not been reported in the literature in individuals with BRCA2-related conditions. Algorithms developed to predict the effect of missense changes on protein structure and function are either unavailable or do not agree on the potential impact of this missense change (SIFT: "Deleterious"; PolyPhen-2: "Benign"; Align-GVGD: "Class C0"). In summary, the available evidence is currently insufficient to determine the role of this variant in disease. Therefore, it has been classified as a Variant of Uncertain Significance.

NM_000059.4(BRCA2):c.2865C>G (p.Asn955Lys)

Gene: BRCA2 (BRCA2 DNA repair associated; plus strand). Cytogenetic location: 13q13.1.
Variant type: single nucleotide variant.
Coding change: c.2865C>G on transcript NM_000059.4 (MANE Select); coding-DNA position 2865, C replaced by G.
Protein change: p.Asn955Lys; replaces asparagine 955 with lysine.
Molecular consequence: missense variant.
Genome position (GRCh38, 1-based): chr13:32,337,220, C>G. VCF-style: chr13-32337220-C-G. GRCh37 (hg19) VCF-style: chr13-32911357-C-G.
Other names: c.2865C>G (NM_000059.3); short protein forms N955K.
Identifiers: ClinVar variation 1051178 (VCV001051178.14), dbSNP rs2137490709, ClinGen allele CA387773998.
Genomic context (GRCh38, chr13:32,337,220, plus strand): 5'-TAAACAAGCAACCCAAGTGTCAATTAAAAAAGATTTGGTTTATGTTCTTGCAGAGGAGAA[C>G]AAAAATAGTGTAAAGCAGCATATAAAAATGACTCTAGGTCAAGATTTAAAATCGGACATC-3'
Protein context (NP_000050.3, residues 945-965): KDLVYVLAEE[Asn955Lys]KNSVKQHIKM